The following is an entry in ClinVar:

ClinVar aggregate classification (germline): Pathogenic (1 of 4 stars; one submission).

Conditions:
Cataract 5 multiple types (CTRCT5). Also called: CATARACT 5, LAMELLAR; Lamellar cataract; CATARACT, MARNER TYPE. Identifiers: Orphanet 91492, MedGen C0266537, MONDO:0007290, OMIM 116800, HP:0007971.

Submission:

Labcorp Genetics (formerly Invitae), Labcorp
Classification: Pathogenic for Cataract 5 multiple types. Last evaluated: 2022-03-09. Review status: criteria provided, single submitter. Criteria: Invitae Variant Classification Sherloc (09022015). Collection method: clinical testing. Allele origin: germline.
Comment: This sequence change replaces lysine, which is basic and polar, with asparagine, which is neutral and polar, at codon 23 of the HSF4 protein (p.Lys23Asn). This variant is not present in population databases (gnomAD no frequency). This missense change has been observed in individual(s) with autosomal dominant congenital cataracts (PMID: 24637349). It has also been observed to segregate with disease in related individuals. Algorithms developed to predict the effect of missense changes on protein structure and function are either unavailable or do not agree on the potential impact of this missense change (SIFT: "Deleterious"; PolyPhen-2: "Probably Damaging"; Align-GVGD: "Class C0"). For these reasons, this variant has been classified as Pathogenic.

Literature cited by the submitters: PubMed 24637349.

NM_001374675.1(HSF4):c.69G>T (p.Lys23Asn)

Gene: HSF4 (heat shock transcription factor 4; plus strand). Cytogenetic location: 16q22.1.
Variant type: single nucleotide variant.
Coding change: c.69G>T on transcript NM_001374675.1 (MANE Select); coding-DNA position 69, G replaced by T.
Protein change: p.Lys23Asn; replaces lysine 23 with asparagine.
Molecular consequence: missense variant.
Genome position (GRCh38, 1-based): chr16:67,164,880, G>T. VCF-style: chr16-67164880-G-T. GRCh37 (hg19) VCF-style: chr16-67198783-G-T.
Other names: c.69G>T, p.Lys23Asn (NM_001040667.3, NM_001374674.1, NM_001538.4); short protein forms K23N.
Identifiers: ClinVar variation 2137837 (VCV002137837.4), dbSNP rs2507002278, ClinGen allele CA396261791.